The following is an entry in ClinVar:

NM_001735.3(C5):c.572C>T (p.Pro191Leu)

Gene: C5 (complement C5; minus strand). Cytogenetic location: 9q33.2.
Variant type: single nucleotide variant.
Coding change: c.572C>T on transcript NM_001735.3 (MANE Select); coding-DNA position 572, C replaced by T.
Protein change: p.Pro191Leu; replaces proline 191 with leucine.
Molecular consequence: missense variant.
Genome position (GRCh38, 1-based): chr9:121,034,815, G>A on the plus strand (C>T on the coding strand, the complement: C5 is on the minus strand). VCF-style: chr9-121034815-G-A. GRCh37 (hg19) VCF-style: chr9-123797093-G-A.
Other names: c.590C>T, p.Pro197Leu (NM_001317163.2); c.572C>T, p.Pro191Leu (NM_001317164.2); c.572C>T (NM_001735.2); short protein forms P197L, P191L.
Identifiers: ClinVar variation 1408015 (VCV001408015.6), dbSNP rs200524363, ClinGen allele CA5218354.

ClinVar aggregate classification (germline): Uncertain significance. Review status: criteria provided, multiple submitters, no conflicts (2 of 4 stars). 3 submissions from 3 submitters: Uncertain significance (3). Last evaluated 2024-08-04.

Conditions:
Complement component 5 deficiency. Also called: C5 DEFICIENCY. Identifiers: MedGen C0343047, MONDO:0012295, OMIM 609536.
Eculizumab, poor response to. Identifiers: MedGen C3810402, OMIM 615749.

Allele frequency attached by ClinVar (database versions not stated): TOPMed 0.00002; gnomAD exomes 0.00003 and 0.00006; ExAC 0.00008; 1000 Genomes Project 30x 0.00031; 1000 Genomes Project 0.00040; gnomAD 0.00001 and 0.00002.
gnomAD v4.1: 51 of 1,552,022 alleles (0.0033%); highest among the groups gnomAD compares: South Asian, 0.025%; no homozygotes.

Submissions (3):

Ambry Genetics
Classification: Uncertain significance. Last evaluated: 2024-08-04. Review status: criteria provided, single submitter. Criteria: Ambry Variant Classification Scheme 2023. Collection method: clinical testing. Allele origin: germline.

Labcorp Genetics (formerly Invitae), Labcorp
Classification: Uncertain significance. Last evaluated: 2022-09-06. Review status: criteria provided, single submitter. Criteria: Invitae Variant Classification Sherloc (09022015). Collection method: clinical testing. Allele origin: germline.
Comment: This sequence change replaces proline, which is neutral and non-polar, with leucine, which is neutral and non-polar, at codon 191 of the C5 protein (p.Pro191Leu). This variant is present in population databases (rs200524363, gnomAD 0.03%). This variant has not been reported in the literature in individuals affected with C5-related conditions. ClinVar contains an entry for this variant (Variation ID: 1408015). Algorithms developed to predict the effect of missense changes on protein structure and function are either unavailable or do not agree on the potential impact of this missense change (SIFT: "Deleterious"; PolyPhen-2: "Probably Damaging"; Align-GVGD: "Class C0"). In summary, the available evidence is currently insufficient to determine the role of this variant in disease. Therefore, it has been classified as a Variant of Uncertain Significance.

Fulgent Genetics
Classification: Uncertain significance for Complement component 5 deficiency; Eculizumab, poor response to. Last evaluated: 2022-03-14. Review status: criteria provided, single submitter. Criteria: ACMG Guidelines, 2015. Collection method: clinical testing. Allele origin: unknown.